The following is an entry in ClinVar:

ClinVar aggregate classification (germline): Uncertain significance (1 of 4 stars; one submission).

Conditions:
Hereditary nonpolyposis colorectal neoplasms. Identifiers: MedGen C0009405, MeSH D003123.

Submission:

Labcorp Genetics (formerly Invitae), Labcorp
Classification: Uncertain significance for Hereditary nonpolyposis colorectal neoplasms. Last evaluated: 2020-02-24. Review status: criteria provided, single submitter. Criteria: Invitae Variant Classification Sherloc (09022015). Collection method: clinical testing. Allele origin: germline.
Comment: In summary, the available evidence is currently insufficient to determine the role of this variant in disease. Therefore, it has been classified as a Variant of Uncertain Significance. Algorithms developed to predict the effect of missense changes on protein structure and function (SIFT, PolyPhen-2, Align-GVGD) all suggest that this variant is likely to be tolerated, but these predictions have not been confirmed by published functional studies and their clinical significance is uncertain. This variant has not been reported in the literature in individuals with PMS2-related conditions. This variant is not present in population databases (ExAC no frequency). This sequence change replaces serine with asparagine at codon 498 of the PMS2 protein (p.Ser498Asn). The serine residue is weakly conserved and there is a small physicochemical difference between serine and asparagine.

NM_000535.7(PMS2):c.1493G>A (p.Ser498Asn)

Gene: PMS2 (PMS1 homolog 2, mismatch repair system component; minus strand). Cytogenetic location: 7p22.1.
Variant type: single nucleotide variant.
Coding change: c.1493G>A on transcript NM_000535.7 (MANE Select); coding-DNA position 1493, G replaced by A.
Protein change: p.Ser498Asn; replaces serine 498 with asparagine.
Molecular consequence: missense variant. On other transcripts: non-coding transcript variant (1).
Genome position (GRCh38, 1-based): chr7:5,987,272, C>T on the plus strand (G>A on the coding strand, the complement: PMS2 is on the minus strand). VCF-style: chr7-5987272-C-T. GRCh37 (hg19) VCF-style: chr7-6026903-C-T.
Other names: c.1088G>A, p.Ser363Asn (NM_001322003.2, NM_001322004.2, NM_001322005.2 and 1 more transcripts); c.1337G>A, p.Ser446Asn (NM_001322006.2); c.1175G>A, p.Ser392Asn (NM_001322007.2, NM_001322008.2); c.932G>A, p.Ser311Asn (NM_001322010.2); c.560G>A, p.Ser187Asn (NM_001322011.2, NM_001322012.2); c.920G>A, p.Ser307Asn (NM_001322013.2); c.1493G>A, p.Ser498Asn (NM_001322014.2); c.1184G>A, p.Ser395Asn (NM_001322015.2); short protein forms S187N, S307N, S311N, S363N, S392N, S395N, S446N, S498N.
Identifiers: ClinVar variation 1014234 (VCV001014234.8), dbSNP rs1783073277, ClinGen allele CA366741788.
Genomic context (GRCh38, chr7:5,987,272, plus strand): 5'-TCGCTGCTGCAGTGACTGCCCGTGTCTGGGATGCTGAACCCCTCAGAATCCACGGAAGTG[C>T]TGCCGTGCCCCGAGTCCTTCTCCACCTCCGCTCTGTCCGTAGGGTCACTGGGTCCGTGAC-3'
Protein context (NP_000526.2, residues 488-508): AEVEKDSGHG[Ser498Asn]TSVDSEGFSI